The following is an entry in ClinVar:

NM_006306.4(SMC1A):c.127G>A (p.Asp43Asn)

Gene: SMC1A (structural maintenance of chromosomes 1A; minus strand). Cytogenetic location: Xp11.22.
Variant type: single nucleotide variant.
Coding change: c.127G>A on transcript NM_006306.4 (MANE Select); coding-DNA position 127, G replaced by A.
Protein change: p.Asp43Asn; replaces aspartic acid 43 with asparagine.
Molecular consequence: missense variant.
Genome position (GRCh38, 1-based): chrX:53,415,152, C>T on the plus strand (G>A on the coding strand, the complement: SMC1A is on the minus strand). VCF-style: chrX-53415152-C-T. GRCh37 (hg19) VCF-style: chrX-53442101-C-T.
Other names: c.61G>A, p.Asp21Asn (NM_001281463.1); short protein forms D21N, D43N.
Identifiers: ClinVar variation 1810251 (VCV001810251.2), dbSNP rs2520971102, ClinGen allele CA413133108.
Genomic context (GRCh38, chrX:53,415,152, plus strand): 5'-CCCGCAGGGTCTTTACCCGCAGGTTGCTGGTTTTTTCACCTAGCACAAAGCTGATGGCAT[C>T]CATGAGATTTGACTTACCTAAGGGAAGAGGGACGAGGCAGTAGAGGGAAAGTCAGGATGA-3'
Protein context (NP_006297.2, residues 33-53): PNGSGKSNLM[Asp43Asn]AISFVLGEKT

ClinVar aggregate classification (germline): Likely pathogenic (1 of 4 stars; one submission).

Conditions:
Congenital muscular hypertrophy-cerebral syndrome (CDLS2). Also called: Cornelia de Lange syndrome 2; SMC1A-Related Cornelia de Lange Syndrome. Identifiers: Orphanet 199, MedGen C1802395, MONDO:0010370, OMIM 300590.

Submission:

Dubai Health Genomic Medicine Center, Dubai Health
Classification: Likely pathogenic for Cornelia de Lange syndrome 2. Last evaluated: 2024-10-04. Review status: criteria provided, single submitter. Criteria: ACMG Guidelines, 2015. Collection method: research. Allele origin: germline. Affected: yes.
Comment: PM2, PP3, PM5, PS2